The following is an entry in ClinVar:

NM_001904.4(CTNNB1):c.2138_2141del (p.Asp713fs)

Gene: CTNNB1 (catenin beta 1; plus strand). Cytogenetic location: 3p22.1.
Variant type: Deletion.
Coding change: c.2138_2141del on transcript NM_001904.4 (MANE Select); coding-DNA positions 2138 to 2141, 4 bases deleted (ATCC; older notation c.2138_2141delATCC).
Protein change: p.Asp713fs; shifts the reading frame from aspartic acid 713.
Molecular consequence: frameshift variant.
Genome position (GRCh38, 1-based): chr3:41,239,134-41,239,137, ATCC deleted. VCF-style (leftmost placement, unchanged base first): chr3-41239133-GATCC-G. GRCh37 (hg19) VCF-style: chr3-41280624-GATCC-G.
Other names: c.2138_2141del, p.Asp713fs (NM_001098209.2, NM_001098210.2); c.2117_2120del, p.Asp706fs (NM_001330729.2); short protein forms D706fs, D713fs.
Identifiers: ClinVar variation 1998283 (VCV001998283.4), dbSNP rs2470863944, ClinGen allele CA2580069811.

ClinVar aggregate classification (germline): Pathogenic (1 of 4 stars; one submission).

Submission:

Labcorp Genetics (formerly Invitae), Labcorp
Classification: Pathogenic. Last evaluated: 2022-05-24. Review status: criteria provided, single submitter. Criteria: Invitae Variant Classification Sherloc (09022015). Collection method: clinical testing. Allele origin: germline.
Comment: This sequence change creates a premature translational stop signal (p.Asp713Valfs*21) in the CTNNB1 gene. While this is not anticipated to result in nonsense mediated decay, it is expected to disrupt the last 69 amino acid(s) of the CTNNB1 protein. For these reasons, this variant has been classified as Pathogenic. This variant disrupts a region of the CTNNB1 protein in which other variant(s) (p.His720*) have been determined to be pathogenic (PMID: 26757139, 28575650). This suggests that this is a clinically significant region of the protein, and that variants that disrupt it are likely to be disease-causing. Algorithms developed to predict the effect of sequence changes on RNA splicing suggest that this variant may disrupt the consensus splice site. This variant has not been reported in the literature in individuals affected with CTNNB1-related conditions. This variant is not present in population databases (gnomAD no frequency).

Literature cited by the submitters: PubMed 26757139; PubMed 28575650.